The following is an entry in ClinVar:

ClinVar aggregate classification (germline): Uncertain significance (1 of 4 stars; one submission).

Allele frequency attached by ClinVar (database versions not stated): TOPMed below 0.00001; gnomAD 0.00001; ESP Exome Variant Server 0.00008.
gnomAD v4.1: 4 of 1,614,072 alleles (0.00025%); highest among the groups gnomAD compares: African/African-American, 0.0027%; no homozygotes.

Submission:

Labcorp Genetics (formerly Invitae), Labcorp
Classification: Uncertain significance. Last evaluated: 2024-04-17. Review status: criteria provided, single submitter. Criteria: Invitae Variant Classification Sherloc (09022015). Collection method: clinical testing. Allele origin: germline.
Comment: This sequence change replaces threonine, which is neutral and polar, with isoleucine, which is neutral and non-polar, at codon 139 of the RLBP1 protein (p.Thr139Ile). This variant is not present in population databases (gnomAD no frequency). This variant has not been reported in the literature in individuals affected with RLBP1-related conditions. ClinVar contains an entry for this variant (Variation ID: 1400753). Advanced modeling of protein sequence and biophysical properties (such as structural, functional, and spatial information, amino acid conservation, physicochemical variation, residue mobility, and thermodynamic stability) performed at Invitae indicates that this missense variant is not expected to disrupt RLBP1 protein function with a negative predictive value of 80%. In summary, the available evidence is currently insufficient to determine the role of this variant in disease. Therefore, it has been classified as a Variant of Uncertain Significance.

NM_000326.5(RLBP1):c.416C>T (p.Thr139Ile)

Gene: RLBP1 (retinaldehyde binding protein 1; minus strand). Cytogenetic location: 15q26.1.
Variant type: single nucleotide variant.
Coding change: c.416C>T on transcript NM_000326.5 (MANE Select); coding-DNA position 416, C replaced by T.
Protein change: p.Thr139Ile; replaces threonine 139 with isoleucine.
Molecular consequence: missense variant.
Genome position (GRCh38, 1-based): chr15:89,215,169, G>A on the plus strand (C>T on the coding strand, the complement: RLBP1 is on the minus strand). VCF-style: chr15-89215169-G-A. GRCh37 (hg19) VCF-style: chr15-89758400-G-A.
Other names: short protein forms T139I.
Identifiers: ClinVar variation 1400753 (VCV001400753.5), dbSNP rs150621479, ClinGen allele CA274534351.